The following is an entry in ClinVar:

ClinVar aggregate classification (germline): Uncertain significance. Review status: criteria provided, multiple submitters, no conflicts (2 of 4 stars). 2 submissions from 2 submitters: Uncertain significance (2). Last evaluated 2017-06-16.

Conditions:
Autosomal recessive limb-girdle muscular dystrophy type 2J (LGMDR10). Also called: Limb-girdle muscular dystrophy, type 2J; MUSCULAR DYSTROPHY, LIMB-GIRDLE, AUTOSOMAL RECESSIVE 10. Identifiers: Orphanet 140922, MedGen C1837342, MONDO:0012127, OMIM 608807.
Dilated cardiomyopathy 1G (CMD1G). Identifiers: Orphanet 154, MedGen C1858763, MONDO:0011400, OMIM 604145.
Cardiovascular phenotype. Identifiers: MedGen CN230736.

Submissions (2):

Ambry Genetics
Classification: Uncertain significance for Cardiovascular phenotype. Last evaluated: 2017-06-16. Review status: criteria provided, single submitter. Criteria: Ambry Variant Classification Scheme 2023. Collection method: clinical testing. Allele origin: germline.
Comment: The p.L24125R variant (also known as c.72374T>G), located in coding exon 182 of the TTN gene, results from a T to G substitution at nucleotide position 72374. The leucine at codon 24125 is replaced by arginine, an amino acid with dissimilar properties. This amino acid position is highly conserved in available vertebrate species. In addition, the in silico prediction for this alteration is inconclusive. Since supporting evidence is limited at this time, the clinical significance of this alteration remains unclear.

Labcorp Genetics (formerly Invitae), Labcorp
Classification: Uncertain significance for Dilated cardiomyopathy 1G; Autosomal recessive limb-girdle muscular dystrophy type 2J. Last evaluated: 2017-03-07. Review status: criteria provided, single submitter. Criteria: Invitae Variant Classification Sherloc (09022015). Collection method: clinical testing. Allele origin: germline.

NM_001267550.2(TTN):c.99569T>G (p.Leu33190Arg)

Genes: TTN (titin; minus strand), TTN-AS1 (TTN antisense RNA 1; plus strand). Cytogenetic location: 2q31.2.
Variant type: single nucleotide variant.
Coding change: c.99569T>G on transcript NM_001267550.2 (MANE Select); coding-DNA position 99569, T replaced by G.
Protein change: p.Leu33190Arg; replaces leucine 33190 with arginine.
Molecular consequence: missense variant. On other transcripts: non-coding transcript variant (1).
Genome position (GRCh38, 1-based): chr2:178,537,638, A>C on the plus strand (T>G on the coding strand, the complement: TTN is on the minus strand). VCF-style: chr2-178537638-A-C. GRCh37 (hg19) VCF-style: chr2-179402365-A-C.
Other names: c.94646T>G, p.Leu31549Arg (NM_001256850.1); c.72374T>G, p.Leu24125Arg (NM_003319.4); c.91865T>G, p.Leu30622Arg (NM_133378.4); c.72749T>G, p.Leu24250Arg (NM_133432.3); c.72950T>G, p.Leu24317Arg (NM_133437.4); short protein forms L33190R, L24125R, L24250R, L30622R, L24317R, L31549R.
Identifiers: ClinVar variation 467712 (VCV000467712.7), dbSNP rs1553504950, ClinGen allele CA349427936.